The following is an entry in ClinVar:

ClinVar aggregate classification (germline): not provided (0 of 4 stars; one submission).

Allele frequency attached by ClinVar (database versions not stated): gnomAD 0.00001; gnomAD exomes below 0.00001; TOPMed 0.00001.
gnomAD v4.1: 4 of 1,613,130 alleles (0.00025%); highest among the groups gnomAD compares: African/African-American, 0.0053%; no homozygotes.

Submission:

ITMI
No classification provided. Condition: AllHighlyPenetrant. Last evaluated: 2013-09-19. Review status: no classification provided. Collection method: reference population. Allele origin: germline.
Comment: Please see associated publication for description of ethnicities

Literature cited by the submitters: PubMed 24728327.

NM_000534.5(PMS1):c.2219C>T (p.Ser740Phe)

Gene: PMS1 (PMS1 homolog 1, mismatch repair system component; plus strand). Cytogenetic location: 2q32.2.
Variant type: single nucleotide variant.
Coding change: c.2219C>T on transcript NM_000534.5 (MANE Select); coding-DNA position 2219, C replaced by T.
Protein change: p.Ser740Phe; replaces serine 740 with phenylalanine.
Molecular consequence: missense variant. On other transcripts: intron variant (2).
Genome position (GRCh38, 1-based): chr2:189,864,105, C>T. VCF-style: chr2-189864105-C-T. GRCh37 (hg19) VCF-style: chr2-190728831-C-T.
Other names: c.2102C>T, p.Ser701Phe (NM_001128143.2); c.1691C>T, p.Ser564Phe (NM_001289408.2, NM_001289409.2); c.2219C>T, p.Ser740Phe (NM_001321045.2, NM_001321047.2, NM_001321048.2); c.2036C>T, p.Ser679Phe (NM_001321046.2); c.1857-3694C>T (NM_001128144.2); c.1740-3694C>T (NM_001321044.2); short protein forms S740F, S564F, S679F, S701F.
Identifiers: ClinVar variation 135060 (VCV000135060.1), dbSNP rs587778613, ClinGen allele CA161552.